The following is an entry in ClinVar:

ClinVar aggregate classification (germline): Uncertain significance. Review status: criteria provided, multiple submitters, no conflicts (2 of 4 stars). 2 submissions from 2 submitters: Uncertain significance (2). Last evaluated 2025-11-04.

Conditions:
SCLT1-related disorder. Also called: SCLT1-related condition.

gnomAD v4.1: 34 of 1,608,082 alleles (0.0021%); highest among the groups gnomAD compares: East Asian, 0.045%; no homozygotes.

Submissions (2):

PreventionGenetics, part of Exact Sciences
Classification: Uncertain significance for SCLT1-related condition. Last evaluated: 2025-11-04. Review status: criteria provided, single submitter. Criteria: ACMG Guidelines, 2015. Collection method: clinical testing. Allele origin: germline.
Comment: The SCLT1 c.1372C>T variant is predicted to result in the amino acid substitution p.Arg458Cys. To our knowledge, this variant has not been reported in the literature. This variant is reported in 0.075% of alleles in individuals of East Asian descent in gnomAD, which may be too frequent to be a primary cause of disease. Although we suspect that this variant may be benign, at this time, the clinical significance of this variant is uncertain due to the absence of conclusive functional and genetic evidence.

Labcorp Genetics (formerly Invitae), Labcorp
Classification: Uncertain significance. Last evaluated: 2022-07-11. Review status: criteria provided, single submitter. Criteria: Invitae Variant Classification Sherloc (09022015). Collection method: clinical testing. Allele origin: germline.
Comment: This sequence change replaces arginine, which is basic and polar, with cysteine, which is neutral and slightly polar, at codon 458 of the SCLT1 protein (p.Arg458Cys). This variant is present in population databases (rs767602025, gnomAD 0.07%). This variant has not been reported in the literature in individuals affected with SCLT1-related conditions. ClinVar contains an entry for this variant (Variation ID: 1510221). Algorithms developed to predict the effect of missense changes on protein structure and function output the following: SIFT: "Deleterious"; PolyPhen-2: "Benign"; Align-GVGD: "Class C25". The cysteine amino acid residue is found in multiple mammalian species, which suggests that this missense change does not adversely affect protein function. In summary, the available evidence is currently insufficient to determine the role of this variant in disease. Therefore, it has been classified as a Variant of Uncertain Significance.

NM_144643.4(SCLT1):c.1372C>T (p.Arg458Cys)

Gene: SCLT1 (sodium channel and clathrin linker 1; minus strand). Cytogenetic location: 4q28.2.
Variant type: single nucleotide variant.
Coding change: c.1372C>T on transcript NM_144643.4 (MANE Select); coding-DNA position 1372, C replaced by T.
Protein change: p.Arg458Cys; replaces arginine 458 with cysteine.
Molecular consequence: missense variant.
Genome position (GRCh38, 1-based): chr4:128,946,074, G>A on the plus strand (C>T on the coding strand, the complement: SCLT1 is on the minus strand). VCF-style: chr4-128946074-G-A. GRCh37 (hg19) VCF-style: chr4-129867229-G-A.
Other names: c.1372C>T (NM_144643.3); short protein forms R458C.
Identifiers: ClinVar variation 1510221 (VCV001510221.6), dbSNP rs767602025, ClinGen allele CA3079640.